The following is an entry in ClinVar:

NM_001042492.3(NF1):c.3619del (p.Arg1207fs)

Gene: NF1 (neurofibromin 1; plus strand). Cytogenetic location: 17q11.2.
Variant type: Deletion.
Coding change: c.3619del on transcript NM_001042492.3 (MANE Select); coding-DNA position 3619, one base deleted (A; older notation c.3619delA).
Protein change: p.Arg1207fs; shifts the reading frame from arginine 1207.
Molecular consequence: frameshift variant.
Genome position (GRCh38, 1-based): chr17:31,233,124, A deleted. VCF-style (leftmost placement, unchanged base first): chr17-31233123-GA-G. GRCh37 (hg19) VCF-style: chr17-29560141-GA-G.
Other names: c.3619delA, p.Arg1207Aspfs (NM_000267.4); short protein forms R1207fs.
Identifiers: ClinVar variation 2031498 (VCV002031498.4), dbSNP rs1471653606, ClinGen allele CA499443775.

ClinVar aggregate classification (germline): Pathogenic (1 of 4 stars; one submission).

Conditions:
Neurofibromatosis, type 1 (NF1). Also called: VON RECKLINGHAUSEN DISEASE; NEUROFIBROMATOSIS, TYPE I, SOMATIC; Neurofibromatosis, type I; Peripheral type neurofibromatosis. Identifiers: Orphanet 636, MedGen C0027831, MONDO:0018975, OMIM 162200. Disease mechanism: loss of function.

Allele frequency attached by ClinVar (database versions not stated): gnomAD exomes below 0.00001.

Submission:

Labcorp Genetics (formerly Invitae), Labcorp
Classification: Pathogenic for Neurofibromatosis, type 1. Last evaluated: 2022-09-20. Review status: criteria provided, single submitter. Criteria: Invitae Variant Classification Sherloc (09022015). Collection method: clinical testing. Allele origin: germline.
Comment: For these reasons, this variant has been classified as Pathogenic. This sequence change creates a premature translational stop signal (p.Arg1207Aspfs*8) in the NF1 gene. It is expected to result in an absent or disrupted protein product. Loss-of-function variants in NF1 are known to be pathogenic (PMID: 10712197, 23913538). This variant is present in population databases (no rsID available, gnomAD 0.007%). This variant has not been reported in the literature in individuals affected with NF1-related conditions.

Literature cited by the submitters: PubMed 10712197; PubMed 23913538.